The following is an entry in ClinVar:

ClinVar aggregate classification (germline): Uncertain significance (1 of 4 stars; one submission).

Conditions:
Hereditary cancer-predisposing syndrome. Also called: Neoplastic Syndromes, Hereditary; Tumor predisposition; Hereditary neoplastic syndrome; Hereditary Cancer Syndrome. Identifiers: Orphanet 140162, MedGen C0027672, MeSH D009386, MONDO:0015356.

Submission:

Ambry Genetics
Classification: Uncertain significance for Hereditary cancer-predisposing syndrome. Last evaluated: 2023-02-23. Review status: criteria provided, single submitter. Criteria: Ambry Variant Classification Scheme 2023. Collection method: clinical testing. Allele origin: germline.
Comment: The p.T655S variant (also known as c.1964C>G), located in coding exon 11 of the DICER1 gene, results from a C to G substitution at nucleotide position 1964. The threonine at codon 655 is replaced by serine, an amino acid with similar properties. This amino acid position is conserved. In addition, this alteration is predicted to be tolerated by in silico analysis. Since supporting evidence is limited at this time, the clinical significance of this alteration remains unclear.

NM_177438.3(DICER1):c.1964C>G (p.Thr655Ser)

Gene: DICER1 (dicer 1, ribonuclease III; minus strand). Cytogenetic location: 14q32.13.
Variant type: single nucleotide variant.
Coding change: c.1964C>G on transcript NM_177438.3 (MANE Select); coding-DNA position 1964, C replaced by G.
Protein change: p.Thr655Ser; replaces threonine 655 with serine.
Molecular consequence: missense variant. On other transcripts: non-coding transcript variant (6).
Genome position (GRCh38, 1-based): chr14:95,113,168, G>C on the plus strand (C>G on the coding strand, the complement: DICER1 is on the minus strand). VCF-style: chr14-95113168-G-C. GRCh37 (hg19) VCF-style: chr14-95579505-G-C.
Other names: c.1964C>G, p.Thr655Ser (NM_001195573.1, NM_001271282.3, NM_001291628.2 and 13 more transcripts); c.1682C>G, p.Thr561Ser (NM_001395686.1); c.1559C>G, p.Thr520Ser (NM_001395687.1, NM_001395688.1, NM_001395689.1 and 3 more transcripts); c.1397C>G, p.Thr466Ser (NM_001395691.1); c.281C>G, p.Thr94Ser (NM_001395697.1); short protein forms T466S, T520S, T561S, T655S, T94S.
Identifiers: ClinVar variation 3229321 (VCV003229321.1), dbSNP rs1892133207, ClinGen allele CA390883355.